The following is an entry in ClinVar:

NM_001378452.1(ITPR1):c.2457-3C>G

Gene: ITPR1 (inositol 1,4,5-trisphosphate receptor type 1; plus strand). Cytogenetic location: 3p26.1.
Variant type: single nucleotide variant.
Coding change: c.2457-3C>G on transcript NM_001378452.1 (MANE Select); 3 bases into the intron before coding-DNA position 2457, C replaced by G.
Molecular consequence: intron variant.
Genome position (GRCh38, 1-based): chr3:4,674,199, C>G. VCF-style: chr3-4674199-C-G. GRCh37 (hg19) VCF-style: chr3-4715883-C-G.
Other names: c.2457-3C>G (NM_001099952.4); c.2412-3C>G (NM_001168272.2, NM_002222.7).
Identifiers: ClinVar variation 3671028 (VCV003671028.2).
Genomic context (GRCh38, chr3:4,674,199, plus strand): 5'-CCAGGAAGACCTCTCTGGGAATAACTTGAAATTTTGTTTCCTTTCTTTCTCCTTTCTTTT[C>G]AGCTATGATAGTAGTGGAGCTTCCAAAGATGAAATTAAGGAGAGATTTGCTCAGACCATG-3'

ClinVar aggregate classification (germline): Uncertain significance (1 of 4 stars; one submission).

Submission:

Labcorp Genetics (formerly Invitae), Labcorp
Classification: Uncertain significance. Last evaluated: 2024-07-03. Review status: criteria provided, single submitter. Criteria: Invitae Variant Classification Sherloc (09022015). Collection method: clinical testing. Allele origin: germline.
Comment: This sequence change falls in intron 20 of the ITPR1 gene. It does not directly change the encoded amino acid sequence of the ITPR1 protein. It affects a nucleotide within the consensus splice site. This variant is not present in population databases (gnomAD no frequency). This variant has not been reported in the literature in individuals affected with ITPR1-related conditions. Variants that disrupt the consensus splice site are a relatively common cause of aberrant splicing (PMID: 17576681, 9536098). Algorithms developed to predict the effect of sequence changes on RNA splicing suggest that this variant may disrupt the consensus splice site. In summary, the available evidence is currently insufficient to determine the role of this variant in disease. Therefore, it has been classified as a Variant of Uncertain Significance.

Literature cited by the submitters: PubMed 17576681; PubMed 9536098.